The following is an entry in ClinVar:

ClinVar aggregate classification (germline): Benign. Review status: criteria provided, multiple submitters, no conflicts (2 of 4 stars). 2 submissions from 2 submitters: Benign (2). Last evaluated 2018-01-12.

Conditions:
Hennekam lymphangiectasia-lymphedema syndrome 1 (HKLLS1). Also called: LYMPHATIC DYSPLASIA, GENERALIZED. Identifiers: Orphanet 2136, MedGen C4012050, MONDO:0009337, OMIM 235510.

Allele frequency attached by ClinVar (database versions not stated): TOPMed 0.38385; 1000 Genomes Project 30x 0.43301; 1000 Genomes Project 0.44010; gnomAD 0.38762.
gnomAD v4.1: 60,216 of 152,066 alleles (40%); highest among the groups gnomAD compares: East Asian, 67%; 12,715 homozygotes.

Submissions (2):

Illumina Laboratory Services, Illumina
Classification: Benign for Hennekam lymphangiectasia-lymphedema syndrome 1. Last evaluated: 2018-01-12. Review status: criteria provided, single submitter. Criteria: ICSL Variant Classification Criteria 13 December 2019. Collection method: clinical testing. Allele origin: germline.
Comment: This variant was observed in the ICSL laboratory as part of a predisposition screen in an ostensibly healthy population. It had not been previously curated by ICSL or reported in the Human Gene Mutation Database (HGMD: prior to June 1st, 2018), and was therefore a candidate for classification through an automated scoring system. Utilizing variant allele frequency, disease prevalence and penetrance estimates, and inheritance mode, an automated score was calculated to assess if this variant is too frequent to cause the disease. Based on the score and internal cut-off values, a variant classified as benign is not then subjected to further curation. The score for this variant resulted in a classification of benign for this disease.

Breakthrough Genomics
Classification: Benign. Review status: criteria provided, single submitter. Criteria: ACMG Guidelines, 2015. Collection method: not provided. Allele origin: germline. Inheritance: Autosomal recessive inheritance. Affected: yes.

NM_133459.4(CCBE1):c.*4504G>C

Gene: CCBE1 (collagen and calcium binding EGF domains 1; minus strand). Cytogenetic location: 18q21.32.
Variant type: single nucleotide variant.
Coding change: c.*4504G>C on transcript NM_133459.4 (MANE Select); 4504 bases downstream of the stop codon, G replaced by C.
Molecular consequence: 3 prime UTR variant.
Genome position (GRCh38, 1-based): chr18:59,431,404, C>G on the plus strand (G>C on the coding strand, the complement: CCBE1 is on the minus strand). VCF-style: chr18-59431404-C-G. GRCh37 (hg19) VCF-style: chr18-57098636-C-G.
Other names: c.*4504G>C (LRG_1209t1).
Identifiers: ClinVar variation 327594 (VCV000327594.6), dbSNP rs7230906, ClinGen allele CA10651230.